The following is an entry in ClinVar:

ClinVar aggregate classification (germline): Uncertain significance (1 of 4 stars; one submission).

Allele frequency attached by ClinVar (database versions not stated): gnomAD exomes below 0.00001.
gnomAD v4.1: 1 of 1,524,858 alleles (0.000066%); highest among the groups gnomAD compares: South Asian, 0.0013%; no homozygotes.

Submission:

Ambry Genetics
Classification: Uncertain significance. Last evaluated: 2024-08-28. Review status: criteria provided, single submitter. Criteria: Ambry Variant Classification Scheme 2023. Collection method: clinical testing. Allele origin: germline.
Comment: The p.V304G variant (also known as c.911T>G), located in coding exon 9 of the BUB1 gene, results from a T to G substitution at nucleotide position 911. The valine at codon 304 is replaced by glycine, an amino acid with dissimilar properties. This amino acid position is conserved. In addition, this alteration is predicted to be tolerated by in silico analysis. Since supporting evidence is limited at this time, the clinical significance of this alteration remains unclear.

NM_004336.5(BUB1):c.911T>G (p.Val304Gly)

Gene: BUB1 (BUB1 mitotic checkpoint serine/threonine kinase; minus strand). Cytogenetic location: 2q13.
Variant type: single nucleotide variant.
Coding change: c.911T>G on transcript NM_004336.5 (MANE Select); coding-DNA position 911, T replaced by G.
Protein change: p.Val304Gly; replaces valine 304 with glycine.
Molecular consequence: missense variant.
Genome position (GRCh38, 1-based): chr2:110,666,309, A>C on the plus strand (T>G on the coding strand, the complement: BUB1 is on the minus strand). VCF-style: chr2-110666309-A-C. GRCh37 (hg19) VCF-style: chr2-111423886-A-C.
Other names: c.851T>G, p.Val284Gly (NM_001278616.2); c.911T>G, p.Val304Gly (NM_001278617.2); short protein forms V304G, V284G.
Identifiers: ClinVar variation 1765883 (VCV001765883.3), dbSNP rs2468025852, ClinGen allele CA348216407.
Genomic context (GRCh38, chr2:110,666,309, plus strand): 5'-GGAGCACAACATACCTCGGACCTTTCCTGGGAAGCGGGCAGATCCTCATGGGATGTCTCC[A>C]CCACCTGATGCAACTTCTTATGAAGTTCATCCATTTTCTGTTTTAATAGCTGTTCTTCAA-3'
Protein context (NP_004327.1, residues 294-314): DELHKKLHQV[Val304Gly]ETSHEDLPAS